The following is an entry in ClinVar:

NM_004380.3(CREBBP):c.3963A>G (p.Glu1321=)

Gene: CREBBP (CREB binding lysine acetyltransferase; minus strand). Cytogenetic location: 16p13.3.
Variant type: single nucleotide variant.
Coding change: c.3963A>G on transcript NM_004380.3 (MANE Select); coding-DNA position 3963, A replaced by G.
Protein change: p.Glu1321=; no amino-acid change (glutamic acid 1321 retained).
Molecular consequence: synonymous variant.
Genome position (GRCh38, 1-based): chr16:3,744,913, T>C on the plus strand (A>G on the coding strand, the complement: CREBBP is on the minus strand). VCF-style: chr16-3744913-T-C. GRCh37 (hg19) VCF-style: chr16-3794914-T-C.
Other names: c.3849A>G, p.Glu1283= (NM_001079846.1).
Identifiers: ClinVar variation 4991684 (VCV004991684.1).

ClinVar aggregate classification (germline): Likely benign (1 of 4 stars; one submission).

Conditions:
CREBBP-related disorder. Also called: CREBBP-related condition; CREBBP-related disorders.

gnomAD v4.1: 1 of 1,614,114 alleles (0.000062%); highest among the groups gnomAD compares: South Asian, 0.0011%; no homozygotes.

Submission:

PreventionGenetics, part of Exact Sciences
Classification: Likely benign for CREBBP-related condition. Last evaluated: 2026-02-25. Review status: criteria provided, single submitter. Criteria: ACMG Guidelines, 2015. Collection method: clinical testing. Allele origin: germline.
Comment: This variant is classified as likely benign based on ACMG/AMP sequence variant interpretation guidelines (Richards et al. 2015 PMID: 25741868, with internal and published modifications).